The following is an entry in ClinVar:

ClinVar aggregate classification (germline): Uncertain significance. Review status: criteria provided, multiple submitters, no conflicts (2 of 4 stars). 2 submissions from 2 submitters: Uncertain significance (2). Last evaluated 2026-01-26.

Conditions:
Inborn genetic diseases. Identifiers: MedGen C0950123, MeSH D030342.
FRAS1-related disorder. Also called: FRAS1-related condition.

gnomAD v4.1: 7 of 1,599,744 alleles (0.00044%); highest among the groups gnomAD compares: Non-Finnish European, 0.00051%; no homozygotes.

Submissions (2):

PreventionGenetics, part of Exact Sciences
Classification: Uncertain significance for FRAS1-related condition. Last evaluated: 2026-01-26. Review status: criteria provided, single submitter. Criteria: ACMG Guidelines, 2015. Collection method: clinical testing. Allele origin: germline.
Comment: The FRAS1 c.7521G>C variant is predicted to result in the amino acid substitution p.Gln2507His. To our knowledge, this variant has not been reported in the literature. This variant is reported in 0.0016% of alleles in individuals of European (Non-Finnish) descent in gnomAD. At this time, the clinical significance of this variant is uncertain due to the absence of conclusive functional and genetic evidence.

Ambry Genetics
Classification: Uncertain significance for Inborn genetic diseases. Last evaluated: 2025-01-20. Review status: criteria provided, single submitter. Criteria: Ambry Variant Classification Scheme 2023. Collection method: clinical testing. Allele origin: germline.

NM_025074.7(FRAS1):c.7521G>C (p.Gln2507His)

Gene: FRAS1 (Fraser extracellular matrix complex subunit 1; plus strand). Cytogenetic location: 4q21.21.
Variant type: single nucleotide variant.
Coding change: c.7521G>C on transcript NM_025074.7 (MANE Select); coding-DNA position 7521, G replaced by C.
Protein change: p.Gln2507His; replaces glutamine 2507 with histidine.
Molecular consequence: missense variant.
Genome position (GRCh38, 1-based): chr4:78,472,329, G>C. VCF-style: chr4-78472329-G-C. GRCh37 (hg19) VCF-style: chr4-79393483-G-C.
Other names: short protein forms Q2507H.
Identifiers: ClinVar variation 3851544 (VCV003851544.2).